The following is an entry in ClinVar:

ClinVar aggregate classification (germline): Likely pathogenic (1 of 4 stars; one submission).

Conditions:
Jalili syndrome. Also called: CONE-ROD DYSTROPHY AND AMELOGENESIS IMPERFECTA. Identifiers: Orphanet 1873, MedGen C3495589, MONDO:0009007, OMIM 217080.

gnomAD v4.1: 2 of 1,613,448 alleles (0.00012%); highest among the groups gnomAD compares: East Asian, 0.0022%; no homozygotes.

Submission:

Ophthalmology Department, Faculty of Medicine, Ain Shams University
Classification: Likely pathogenic for Jalili syndrome. Last evaluated: 2024-07-20. Review status: criteria provided, single submitter. Criteria: ACMG Guidelines, 2015. Collection method: clinical testing. Allele origin: germline. Affected: yes. Observed: 1 variant allele.
Comment: There is only 2 individual heterozygous for this variant in gnomAD v4. The variant is predicted to be deleterious by all in silico tools utilized. Evidence: PP3, PM2

NM_020184.4(CNNM4):c.1423G>A (p.Val475Met)

Gene: CNNM4 (cyclin and CBS domain divalent metal cation transport mediator 4; plus strand). Cytogenetic location: 2q11.2.
Variant type: single nucleotide variant.
Coding change: c.1423G>A on transcript NM_020184.4 (MANE Select); coding-DNA position 1423, G replaced by A.
Protein change: p.Val475Met; replaces valine 475 with methionine.
Molecular consequence: missense variant.
Genome position (GRCh38, 1-based): chr2:96,797,032, G>A. VCF-style: chr2-96797032-G-A. GRCh37 (hg19) VCF-style: chr2-97462769-G-A.
Other names: short protein forms V475M.
Identifiers: ClinVar variation 3340493 (VCV003340493.2).